The following is an entry in ClinVar:

NM_000138.5(FBN1):c.5817del (p.Asn1940fs)

Gene: FBN1 (fibrillin 1; minus strand). Cytogenetic location: 15q21.1.
Variant type: Deletion.
Coding change: c.5817del on transcript NM_000138.5 (MANE Select); coding-DNA position 5817, one base deleted (G; older notation c.5817delG).
Protein change: p.Asn1940fs; shifts the reading frame from asparagine 1940.
Molecular consequence: frameshift variant.
Genome position (GRCh38, 1-based): chr15:48,445,476, C deleted on the plus strand (G on the coding strand, the reverse complement: FBN1 is on the minus strand); the first of 3 consecutive C bases (chr15:48,445,476-48,445,478); deleting any one gives the same sequence. VCF-style (leftmost placement, unchanged base first): chr15-48445475-TC-T. GRCh37 (hg19) VCF-style: chr15-48737672-TC-T.
Other names: c.5817delG (NM_000138.4); short protein forms N1940fs.
Identifiers: ClinVar variation 200163 (VCV000200163.7), dbSNP rs794728311, ClinGen allele CA016091.

ClinVar aggregate classification (germline): Pathogenic. Review status: criteria provided, multiple submitters, no conflicts (2 of 4 stars). 2 submissions from 2 submitters: Pathogenic (2). Last evaluated 2022-01-01.

Conditions:
Marfan syndrome (MFS). Also called: MARFAN SYNDROME, TYPE I; FBN1-Related Marfan Syndrome; Marfan syndrome, classic; Marfan syndrome type 1; Marfan's syndrome. Identifiers: Orphanet 284963, Orphanet 558, MedGen C0024796, MONDO:0007947, OMIM 154700.
Familial thoracic aortic aneurysm and aortic dissection (TAAD). Also called: Thoracic aortic aneurysms and dissections. Identifiers: Orphanet 91387, MedGen C4707243, MONDO:0019625.

Submissions (2):

Labcorp Genetics (formerly Invitae), Labcorp
Classification: Pathogenic for Marfan syndrome; Familial thoracic aortic aneurysm and aortic dissection. Last evaluated: 2022-01-01. Review status: criteria provided, single submitter. Criteria: Invitae Variant Classification Sherloc (09022015). Collection method: clinical testing. Allele origin: germline.
Comment: ClinVar contains an entry for this variant (Variation ID: 200163). This premature translational stop signal has been observed in individuals with Marfan syndrome (PMID: 19159394, 32679894). This variant is not present in population databases (gnomAD no frequency). This sequence change creates a premature translational stop signal (p.Asn1940Ilefs*40) in the FBN1 gene. It is expected to result in an absent or disrupted protein product. Loss-of-function variants in FBN1 are known to be pathogenic (PMID: 17657824, 19293843). For these reasons, this variant has been classified as Pathogenic.

GeneDx
Classification: Pathogenic. Last evaluated: 2014-07-31. Review status: criteria provided, single submitter. Criteria: GeneDx Variant Classification (06012015). Collection method: clinical testing. Allele origin: germline. Affected: yes.
Comment: The c.5817delG in the FBN1 gene has been reported in one individual who met Ghent criteria for Marfan Syndrome, whose features included: dilation of the ascending aorta, MVP, dural ectasia, and skeletal findings (S?ylen et al., 2009).The c.5817delG mutation causes a shift in reading frame starting at codon Asparagine 1940, changing it to an Isoleucine, and creating a premature stop codon at position 40 of the new reading frame, denoted p.Asn1940IlefsX40. This mutation is expected to result in either an abnormal, truncated protein product or loss of protein from this allele through nonsense-mediated mRNA decay. Other frameshift mutations in the FBN1 gene have been reported in association with Marfan syndrome. In summary, c.5817delG in the FBN1 gene is interpreted as a disease-causing mutation.

Literature cited by the submitters: PubMed 19159394 (cited by Labcorp Genetics (formerly Invitae), Labcorp); PubMed 32679894 (cited by Labcorp Genetics (formerly Invitae), Labcorp); PubMed 17657824 (cited by Labcorp Genetics (formerly Invitae), Labcorp); PubMed 19293843 (cited by Labcorp Genetics (formerly Invitae), Labcorp).